The following is an entry in ClinVar:

NM_002528.7(NTHL1):c.525+2T>C

Gene: NTHL1 (nth like DNA glycosylase 1; minus strand). Cytogenetic location: 16p13.3.
Variant type: single nucleotide variant.
Coding change: c.525+2T>C on transcript NM_002528.7 (MANE Select); the canonical splice donor site of the intron after coding-DNA position 525, T replaced by C.
Molecular consequence: splice donor variant. On other transcripts: intron variant (1).
Genome position (GRCh38, 1-based): chr16:2,044,628, A>G on the plus strand (T>C on the coding strand, the complement: NTHL1 is on the minus strand). VCF-style: chr16-2044628-A-G. GRCh37 (hg19) VCF-style: chr16-2094629-A-G.
Other names: c.195+2T>C (NM_001318194.2); c.355-902T>C (NM_001318193.2).
Identifiers: ClinVar variation 4781003 (VCV004781003.1).

ClinVar aggregate classification (germline): Likely pathogenic (1 of 4 stars; one submission).

gnomAD v4.1: 1 of 1,602,758 alleles (0.000062%); highest among the groups gnomAD compares: Non-Finnish European, 0.000085%; no homozygotes.

Submission:

Labcorp Genetics (formerly Invitae), Labcorp
Classification: Likely pathogenic. Last evaluated: 2025-03-16. Review status: criteria provided, single submitter. Criteria: Invitae Variant Classification Sherloc (09022015). Collection method: clinical testing. Allele origin: germline.
Comment: This sequence change affects a donor splice site in intron 3 of the NTHL1 gene. It is expected to disrupt RNA splicing. Variants that disrupt the donor or acceptor splice site typically lead to a loss of protein function (PMID: 16199547), and loss-of-function variants in NTHL1 are known to be pathogenic (PMID: 25938944, 26559593). This variant is not present in population databases (gnomAD no frequency). This variant has not been reported in the literature in individuals affected with NTHL1-related conditions. Algorithms developed to predict the effect of sequence changes on RNA splicing suggest that this variant may disrupt the consensus splice site. In summary, the currently available evidence indicates that the variant is pathogenic, but additional data are needed to prove that conclusively. Therefore, this variant has been classified as Likely Pathogenic.

Literature cited by the submitters: PubMed 16199547; PubMed 25938944; PubMed 26559593.